The following is an entry in ClinVar:

NM_145728.3(SYNM):c.3978C>T (p.Tyr1326=)

Gene: SYNM (synemin; plus strand). Cytogenetic location: 15q26.3.
Variant type: single nucleotide variant.
Coding change: c.3978C>T on transcript NM_145728.3 (MANE Select); coding-DNA position 3978, C replaced by T.
Protein change: p.Tyr1326=; no amino-acid change (tyrosine 1326 retained).
Molecular consequence: synonymous variant. On other transcripts: intron variant (1).
Genome position (GRCh38, 1-based): chr15:99,132,338, C>T. VCF-style: chr15-99132338-C-T. GRCh37 (hg19) VCF-style: chr15-99672543-C-T.
Other names: c.3454-412C>T (NM_015286.6).
Identifiers: ClinVar variation 3052863 (VCV003052863.1), dbSNP rs2543120434, ClinGen allele CA492473849.

ClinVar aggregate classification (germline): Benign (1 of 4 stars; one submission).

Conditions:
SYNM-related disorder. Also called: SYNM-related condition.

Submission:

PreventionGenetics, part of Exact Sciences
Classification: Benign for SYNM-related condition. Last evaluated: 2019-06-03. Review status: criteria provided, single submitter. Criteria: ACMG Guidelines, 2015. Collection method: clinical testing. Allele origin: germline.
Comment: This variant is classified as benign based on ACMG/AMP sequence variant interpretation guidelines (Richards et al. 2015 PMID: 25741868, with internal and published modifications).